The following is an entry in ClinVar:

NM_024675.4(PALB2):c.1016C>T (p.Ala339Val)

Gene: PALB2 (partner and localizer of BRCA2; minus strand). Cytogenetic location: 16p12.2.
Variant type: single nucleotide variant.
Coding change: c.1016C>T on transcript NM_024675.4 (MANE Select); coding-DNA position 1016, C replaced by T.
Protein change: p.Ala339Val; replaces alanine 339 with valine.
Molecular consequence: missense variant. On other transcripts: intron variant (3).
Genome position (GRCh38, 1-based): chr16:23,635,530, G>A on the plus strand (C>T on the coding strand, the complement: PALB2 is on the minus strand). VCF-style: chr16-23635530-G-A. GRCh37 (hg19) VCF-style: chr16-23646851-G-A.
Other names: c.956C>T, p.Ala319Val (NM_001407296.1); c.1016C>T, p.Ala339Val (NM_001407297.1, NM_001407298.1, NM_001407299.1 and 3 more transcripts); c.131C>T, p.Ala44Val (NM_001407304.1, NM_001407305.1, NM_001407306.1 and 5 more transcripts); c.48+5580C>T (NM_001407314.1); c.-104-5061C>T (NM_001407313.1, NM_001407312.1); short protein forms A44V, A319V, A339V.
Identifiers: ClinVar variation 2702002 (VCV002702002.4), dbSNP rs2142428364, ClinGen allele CA395134410.

ClinVar aggregate classification (germline): Uncertain significance. Review status: criteria provided, multiple submitters, no conflicts (2 of 4 stars). 2 submissions from 2 submitters: Uncertain significance (2). Last evaluated 2023-12-10.

Conditions:
Hereditary cancer-predisposing syndrome. Also called: Hereditary neoplastic syndrome; Neoplastic Syndromes, Hereditary; Hereditary Cancer Syndrome; Tumor predisposition. Identifiers: Orphanet 140162, MedGen C0027672, MeSH D009386, MONDO:0015356.
Familial cancer of breast. Also called: Hereditary breast cancer; BREAST CANCER, FAMILIAL; hereditary breast carcinoma. Identifiers: Orphanet 227535, MedGen C0346153, MONDO:0016419, OMIM 114480. Disease mechanism: loss of function.

Submissions (2):

Labcorp Genetics (formerly Invitae), Labcorp
Classification: Uncertain significance for Familial cancer of breast. Last evaluated: 2023-12-10. Review status: criteria provided, single submitter. Criteria: Invitae Variant Classification Sherloc (09022015). Collection method: clinical testing. Allele origin: germline.
Comment: This sequence change replaces alanine, which is neutral and non-polar, with valine, which is neutral and non-polar, at codon 339 of the PALB2 protein (p.Ala339Val). This variant is not present in population databases (gnomAD no frequency). This variant has not been reported in the literature in individuals affected with PALB2-related conditions. Algorithms developed to predict the effect of missense changes on protein structure and function output the following: SIFT: "Not Available"; PolyPhen-2: "Benign"; Align-GVGD: "Not Available". The valine amino acid residue is found in multiple mammalian species, which suggests that this missense change does not adversely affect protein function. In summary, the available evidence is currently insufficient to determine the role of this variant in disease. Therefore, it has been classified as a Variant of Uncertain Significance.

Ambry Genetics
Classification: Uncertain significance for Hereditary cancer-predisposing syndrome. Last evaluated: 2023-02-20. Review status: criteria provided, single submitter. Criteria: Ambry Variant Classification Scheme 2023. Collection method: clinical testing. Allele origin: germline.
Comment: The p.A339V variant (also known as c.1016C>T), located in coding exon 4 of the PALB2 gene, results from a C to T substitution at nucleotide position 1016. The alanine at codon 339 is replaced by valine, an amino acid with similar properties. This amino acid position is conserved. In addition, this alteration is predicted to be tolerated by in silico analysis. Since supporting evidence is limited at this time, the clinical significance of this alteration remains unclear.